The following is an entry in ClinVar:

ClinVar aggregate classification (germline): Uncertain significance (1 of 4 stars; one submission).

gnomAD v4.1: 38 of 1,614,012 alleles (0.0024%); highest among the groups gnomAD compares: Non-Finnish European, 0.0029%; no homozygotes.

Submission:

GeneDx
Classification: Uncertain significance. Last evaluated: 2024-10-29. Review status: criteria provided, single submitter. Criteria: GeneDx Variant Classification Process June 2021. Collection method: clinical testing. Allele origin: germline. Affected: yes.
Comment: In silico analysis indicates that this missense variant does not alter protein structure/function; Has not been previously published as pathogenic or benign to our knowledge

NM_000552.5(VWF):c.1118G>A (p.Arg373Gln)

Gene: VWF (von Willebrand factor; minus strand). Cytogenetic location: 12p13.31.
Variant type: single nucleotide variant.
Coding change: c.1118G>A on transcript NM_000552.5 (MANE Select); coding-DNA position 1118, G replaced by A.
Protein change: p.Arg373Gln; replaces arginine 373 with glutamine.
Molecular consequence: missense variant.
Genome position (GRCh38, 1-based): chr12:6,071,335, C>T on the plus strand (G>A on the coding strand, the complement: VWF is on the minus strand). VCF-style: chr12-6071335-C-T. GRCh37 (hg19) VCF-style: chr12-6180501-C-T.
Other names: short protein forms R373Q.
Identifiers: ClinVar variation 3897311 (VCV003897311.1).